The following is an entry in ClinVar:

NM_004360.5(CDH1):c.807G>A (p.Gly269=)

Gene: CDH1 (cadherin 1; plus strand). Cytogenetic location: 16q22.1.
Variant type: single nucleotide variant.
Coding change: c.807G>A on transcript NM_004360.5 (MANE Select); coding-DNA position 807, G replaced by A.
Protein change: p.Gly269=; no amino-acid change (glycine 269 retained).
Molecular consequence: synonymous variant. On other transcripts: 5 prime UTR variant (2).
Genome position (GRCh38, 1-based): chr16:68,810,316, G>A. VCF-style: chr16-68810316-G-A. GRCh37 (hg19) VCF-style: chr16-68844219-G-A.
Other names: c.807G>A, p.Gly269= (NM_001317184.2); c.-809G>A (NM_001317185.2); c.-1013G>A (NM_001317186.2).
Identifiers: ClinVar variation 2567615 (VCV002567615.6), dbSNP rs1399656182, ClinGen allele CA496152814.

ClinVar aggregate classification (germline): Benign/Likely benign. Review status: criteria provided, multiple submitters, no conflicts (2 of 4 stars). 3 submissions from 3 submitters: Benign (1); Likely benign (2). Last evaluated 2024-09-16.

Conditions:
Hereditary cancer-predisposing syndrome. Also called: Neoplastic Syndromes, Hereditary; Hereditary Cancer Syndrome; Tumor predisposition; Hereditary neoplastic syndrome. Identifiers: Orphanet 140162, MedGen C0027672, MeSH D009386, MONDO:0015356.
Hereditary diffuse gastric adenocarcinoma (HDGC). Also called: DIFFUSE GASTRIC AND LOBULAR BREAST CANCER SYNDROME. Identifiers: Orphanet 26106, MedGen C1708349, MONDO:0007648, OMIM 137215.

Allele frequency attached by ClinVar (database versions not stated): gnomAD 0.00001.
gnomAD v4.1: 1 of 1,613,930 alleles (0.000062%); highest among the groups gnomAD compares: African/African-American, 0.0013%; no homozygotes.

Submissions (3):

Myriad Genetics, Inc.
Classification: Benign for Hereditary diffuse gastric adenocarcinoma. Last evaluated: 2024-09-16. Review status: criteria provided, single submitter. Criteria: Myriad Autosomal Dominant, Autosomal Recessive and X-Linked Classification Criteria (2023). Collection method: clinical testing. Allele origin: unknown.
Comment: This variant is considered benign. This variant is a silent/synonymous amino acid change and it is not expected to impact splicing.

Labcorp Genetics (formerly Invitae), Labcorp
Classification: Likely benign for Hereditary diffuse gastric adenocarcinoma. Last evaluated: 2023-12-27. Review status: criteria provided, single submitter. Criteria: Invitae Variant Classification Sherloc (09022015). Collection method: clinical testing. Allele origin: germline.

Ambry Genetics
Classification: Likely benign for Hereditary cancer-predisposing syndrome. Last evaluated: 2023-05-11. Review status: criteria provided, single submitter. Criteria: Ambry Variant Classification Scheme 2023. Collection method: clinical testing. Allele origin: germline.